The following is an entry in ClinVar:

ClinVar aggregate classification (germline): Likely benign. Review status: criteria provided, multiple submitters, no conflicts (2 of 4 stars). 3 submissions from 3 submitters: Likely benign (3). Last evaluated 2026-07-01.

Conditions:
Spastic paraplegia. Identifiers: MedGen C0037772, HP:0001258.

Allele frequency attached by ClinVar (database versions not stated): gnomAD exomes 0.00010; gnomAD 0.00015 and 0.00016; TOPMed 0.00015; ExAC 0.00026; ESP Exome Variant Server 0.00031.
gnomAD v4.1: 248 of 1,456,084 alleles (0.017%); highest among the groups gnomAD compares: Non-Finnish European, 0.021%; no homozygotes.

Submissions (3):

CeGaT Center for Human Genetics Tuebingen
Classification: Likely benign. Last evaluated: 2026-07-01. Review status: criteria provided, single submitter. Criteria: CeGaT Center For Human Genetics Tuebingen Variant Classification Criteria Version 2. Collection method: clinical testing. Allele origin: germline. Affected: yes. Observed: 2 variant alleles.
Comment: B4GALNT1: BP4, BP7

Labcorp Genetics (formerly Invitae), Labcorp
Classification: Likely benign for Spastic paraplegia. Last evaluated: 2025-12-17. Review status: criteria provided, single submitter. Criteria: Invitae Variant Classification Sherloc (09022015). Collection method: clinical testing. Allele origin: germline.

Mayo Clinic Laboratories, Mayo Clinic
Classification: Likely benign. Last evaluated: 2025-02-16. Review status: criteria provided, single submitter. Criteria: ACMG Guidelines, 2015. Collection method: clinical testing. Allele origin: germline. Observed: 3 variant alleles.
Comment: BP4, BP7

NM_001478.5(B4GALNT1):c.153G>A (p.Leu51=)

Gene: B4GALNT1 (beta-1,4-N-acetyl-galactosaminyltransferase 1; minus strand). Cytogenetic location: 12q13.3.
Variant type: single nucleotide variant.
Coding change: c.153G>A on transcript NM_001478.5 (MANE Select); coding-DNA position 153, G replaced by A.
Protein change: p.Leu51=; no amino-acid change (leucine 51 retained).
Molecular consequence: synonymous variant.
Genome position (GRCh38, 1-based): chr12:57,631,980, C>T on the plus strand (G>A on the coding strand, the complement: B4GALNT1 is on the minus strand). VCF-style: chr12-57631980-C-T. GRCh37 (hg19) VCF-style: chr12-58025763-C-T.
Other names: p.Leu51=; c.153G>A, p.Leu51= (NM_001276468.2, NM_001276469.2).
Identifiers: ClinVar variation 696917 (VCV000696917.17), dbSNP rs377186391, ClinGen allele CA6655869.